The following is an entry in ClinVar:

NM_001429.4(EP300):c.332G>A (p.Ser111Asn)

Gene: EP300 (EP300 lysine acetyltransferase; plus strand). Cytogenetic location: 22q13.2.
Variant type: single nucleotide variant.
Coding change: c.332G>A on transcript NM_001429.4 (MANE Select); coding-DNA position 332, G replaced by A.
Protein change: p.Ser111Asn; replaces serine 111 with asparagine.
Molecular consequence: missense variant.
Genome position (GRCh38, 1-based): chr22:41,117,424, G>A. VCF-style: chr22-41117424-G-A. GRCh37 (hg19) VCF-style: chr22-41513428-G-A.
Other names: c.332G>A, p.Ser111Asn (NM_001362843.2); short protein forms S111N.
Identifiers: ClinVar variation 1065511 (VCV001065511.2), dbSNP rs2145696782, ClinGen allele CA411680343.

ClinVar aggregate classification (germline): Uncertain significance. Review status: criteria provided, multiple submitters, no conflicts (2 of 4 stars). 2 submissions from 2 submitters: Uncertain significance (2). Last evaluated 2023-01-18.

Conditions:
Rubinstein-Taybi syndrome due to EP300 haploinsufficiency. Also called: EP300-Related Rubinstein-Taybi Syndrome; RUBINSTEIN-TAYBI SYNDROME 2. Identifiers: Orphanet 353284, Orphanet 783, MedGen C3150941, MONDO:0013364, OMIM 613684.

Submissions (2):

GeneDx
Classification: Uncertain significance. Last evaluated: 2023-01-18. Review status: criteria provided, single submitter. Criteria: GeneDx Variant Classification Process June 2021. Collection method: clinical testing. Allele origin: germline. Affected: yes.
Comment: Apparently de novo variant of uncertain significance in a patient with nonimmune hydrops fetalis (Sparks et al., 2020); In silico analysis supports that this missense variant does not alter protein structure/function; Not observed at significant frequency in large population cohorts (gnomAD); This variant is associated with the following publications: (PMID: 33027564)

Genomic Medicine Lab, University of California San Francisco
Classification: Uncertain significance for Rubinstein-Taybi syndrome due to EP300 haploinsufficiency. Last evaluated: 2020-04-02. Review status: criteria provided, single submitter. Criteria: ACMG Guidelines, 2015. Collection method: clinical testing. Allele origin: de novo. Inheritance: Autosomal dominant inheritance. Affected: yes. Study: CSER-P3EGS.